The following is an entry in ClinVar:

ClinVar aggregate classification (germline): Uncertain significance (1 of 4 stars; one submission).

Conditions:
Hereditary spastic paraplegia 39 (SPG39). Also called: Spastic Paraplegia Type 39 (SPG39); SPASTIC PARAPLEGIA 39, AUTOSOMAL RECESSIVE. Identifiers: Orphanet 139480, MedGen C2677586, MONDO:0012787, OMIM 612020.

Submission:

Labcorp Genetics (formerly Invitae), Labcorp
Classification: Uncertain significance for Hereditary spastic paraplegia 39. Last evaluated: 2021-09-21. Review status: criteria provided, single submitter. Criteria: Invitae Variant Classification Sherloc (09022015). Collection method: clinical testing. Allele origin: germline.
Comment: This sequence change replaces alanine with proline at codon 661 of the PNPLA6 protein (p.Ala661Pro). The alanine residue is moderately conserved and there is a small physicochemical difference between alanine and proline. The frequency data for this variant in the population databases is considered unreliable, as metrics indicate insufficient coverage at this position in the ExAC database. This variant has not been reported in the literature in individuals affected with PNPLA6-related conditions. Algorithms developed to predict the effect of missense changes on protein structure and function are either unavailable or do not agree on the potential impact of this missense change (SIFT: "Tolerated"; PolyPhen-2: "Probably Damaging"; Align-GVGD: "Class C0"). In summary, the available evidence is currently insufficient to determine the role of this variant in disease. Therefore, it has been classified as a Variant of Uncertain Significance.

NM_001166114.2(PNPLA6):c.2098G>C (p.Ala700Pro)

Gene: PNPLA6 (patatin like domain 6, lysophospholipase; plus strand). Cytogenetic location: 19p13.2.
Variant type: single nucleotide variant.
Coding change: c.2098G>C on transcript NM_001166114.2 (MANE Select); coding-DNA position 2098, G replaced by C.
Protein change: p.Ala700Pro; replaces alanine 700 with proline.
Molecular consequence: missense variant.
Genome position (GRCh38, 1-based): chr19:7,551,021, G>C. VCF-style: chr19-7551021-G-C. GRCh37 (hg19) VCF-style: chr19-7615907-G-C.
Other names: c.2125G>C, p.Ala709Pro (NM_001166111.2); c.1903G>C, p.Ala635Pro (NM_001166112.2); c.1981G>C, p.Ala661Pro (NM_001166113.1, NM_006702.5); short protein forms A635P, A661P, A700P, A709P.
Identifiers: ClinVar variation 1380779 (VCV001380779.6), dbSNP rs931291219, ClinGen allele CA304875530.